The following is an entry in ClinVar:

NM_001009944.3(PKD1):c.2932C>T (p.Gln978Ter)

Gene: PKD1 (polycystin 1, transient receptor potential channel interacting; minus strand). Cytogenetic location: 16p13.3.
Variant type: single nucleotide variant.
Coding change: c.2932C>T on transcript NM_001009944.3 (MANE Select); coding-DNA position 2932, C replaced by T.
Protein change: p.Gln978Ter; replaces glutamine 978 with a stop codon.
Molecular consequence: nonsense.
Genome position (GRCh38, 1-based): chr16:2,113,214, G>A on the plus strand (C>T on the coding strand, the complement: PKD1 is on the minus strand). VCF-style: chr16-2113214-G-A. GRCh37 (hg19) VCF-style: chr16-2163215-G-A.
Other names: c.2932C>T, p.Gln978Ter (NM_000296.4); short protein forms Q978*.
Identifiers: ClinVar variation 440123 (VCV000440123.13), dbSNP rs1555457446, ClinGen allele CA394385563.
Genomic context (GRCh38, chr16:2,113,214, plus strand): 5'-CACCTACTGAGAGCTTGAAGACCGCCGCGCTCTGATAAATGACATTGAAGACCACGTTCT[G>A]GAAGGTCAGGGACTGCTTGTCGTTGATGGTCCACCGGAAGACCATGTCCGAGCCGGCCTC-3'

ClinVar aggregate classification (germline): Pathogenic. Review status: criteria provided, multiple submitters, no conflicts (2 of 4 stars). 5 submissions from 5 submitters: Pathogenic (4). 1 of the submissions does not count toward it. Last evaluated 2024-06-10.

Conditions:
PKD1-related disorder. Also called: PKD1-related condition.
Polycystic kidney disease. Also called: Kidney, Polycystic; Polycystic kidney dysplasia. Identifiers: MedGen C0022680, MeSH D007690, MONDO:0020642, HP:0000113.
Polycystic kidney disease, adult type (PKD1). Also called: POLYCYSTIC KIDNEY DISEASE, ADULT, TYPE I; Polycystic Kidney Disease 1, Autosomal Dominant; Polycystic kidney disease 1; Polycystic kidney disease 1, severe; Polycystic Kidney, Autosomal Dominant; POLYCYSTIC KIDNEY DISEASE 1 WITH OR WITHOUT POLYCYSTIC LIVER DISEASE. Identifiers: MedGen C3149841, MONDO:0008263, OMIM 173900.

Submissions (5):

Fulgent Genetics
Classification: Pathogenic for Polycystic kidney disease, adult type. Last evaluated: 2024-06-10. Review status: criteria provided, single submitter. Criteria: ACMG Guidelines, 2015. Collection method: clinical testing. Allele origin: germline.

Blueprint Genetics
Classification: Pathogenic for PKD1-related disorders. Last evaluated: 2021-10-11. Review status: criteria provided, single submitter. Criteria: ACMG Guidelines, 2015. Collection method: clinical testing. Allele origin: germline. Affected: yes. Observed: 3 variant alleles.

Molecular Biology Laboratory, Fundació Puigvert
Classification: Pathogenic for Polycystic kidney disease, adult type. Last evaluated: 2020-02-01. Review status: criteria provided, single submitter. Criteria: ACMG Guidelines, 2015. Collection method: research. Allele origin: germline. Affected: yes. Study: KidneyPanel_2020.

ARUP Laboratories, Molecular Genetics and Genomics, ARUP Laboratories
Classification: Pathogenic. Last evaluated: 2017-01-30. Review status: criteria provided, single submitter. Criteria: ARUP Molecular Germline Variant Investigation Process. Collection method: clinical testing. Allele origin: germline.

Department of Pathology and Laboratory Medicine, Sinai Health System
Classification: Pathogenic for Polycystic Kidney disease. Review status: no assertion criteria provided. Collection method: clinical testing. Allele origin: unknown. Affected: yes. Study: The Canadian Open Genetics Repository (COGR). Not counted in ClinVar's aggregate classification.
Comment: The PKD1 p.Gln978* variant was identified in 1 of 40 proband chromosomes (frequency: 0.03) from individuals or families with ADPKD (Choi 2014). The variant was also identified in ClinVar (classified as pathogenic by ARUP). The variant was not identified in dbSNP, COGR, LOVD 3.0, ADPKD Mutation Database, PKD1-LOVD, the 1000 Genomes Project, the NHLBI GO Exome Sequencing Project, the Exome Aggregation Consortium (August 8th 2016), or the Genome Aggregation Database (Feb 27, 2017). The p.Gln978* variant leads to a premature stop codon at position 978, which is predicted to lead to a truncated or absent protein and loss of function. Loss of function variants of the PKD1 gene are an established mechanism of disease in autosomal dominant polycystic kidney disease and is the type of variant expected to cause the disorder. In summary, based on the above information this variant meets our laboratoryâ€šÃ„Ã´s criteria to be classified as pathogenic.

Literature cited by the submitters: PubMed 33532864 (cited by Molecular Biology Laboratory, Fundació Puigvert).